The following is an entry in ClinVar:

ClinVar aggregate classification (germline): Uncertain significance. Review status: criteria provided, multiple submitters, no conflicts (2 of 4 stars). 4 submissions from 4 submitters: Uncertain significance (4). Last evaluated 2025-10-02.

Conditions:
Congenital myotonia, autosomal recessive form. Also called: BECKER DISEASE; myotonia congenita, autosomal recessive; Becker Generalized Myotonia. Identifiers: Orphanet 614, MedGen C0751360, MONDO:0009715, OMIM 255700.
Congenital myotonia, autosomal dominant form (THD). Also called: Myotonia congenita autosomal dominant; THOMSEN DISEASE. Identifiers: Orphanet 614, MedGen C2936781, MONDO:0008055, OMIM 160800.
Batten-Turner congenital myopathy. Also called: Myotonia congenita; Congenital myotonia. Identifiers: Orphanet 206973, MedGen C0027127, MONDO:0100468, OMIM 255300.
Inborn genetic diseases. Identifiers: MedGen C0950123, MeSH D030342.

Allele frequency attached by ClinVar (database versions not stated): ExAC 0.00001; gnomAD 0.00001; gnomAD exomes 0.00001 and 0.00002; TOPMed 0.00002; ESP Exome Variant Server 0.00008.
gnomAD v4.1: 28 of 1,614,058 alleles (0.0017%); highest among the groups gnomAD compares: Non-Finnish European, 0.0022%; no homozygotes.

Submissions (4):

Labcorp Genetics (formerly Invitae), Labcorp
Classification: Uncertain significance for Congenital myotonia, autosomal recessive form; Congenital myotonia, autosomal dominant form. Last evaluated: 2025-10-02. Review status: criteria provided, single submitter. Criteria: Invitae Variant Classification Sherloc (09022015). Collection method: clinical testing. Allele origin: germline.
Comment: This sequence change replaces alanine, which is neutral and non-polar, with threonine, which is neutral and polar, at codon 151 of the CLCN1 protein (p.Ala151Thr). This variant is present in population databases (rs140726900, gnomAD 0.003%). This variant has not been reported in the literature in individuals affected with CLCN1-related conditions. ClinVar contains an entry for this variant (Variation ID: 359100). Invitae Evidence Modeling of protein sequence and biophysical properties (such as structural, functional, and spatial information, amino acid conservation, physicochemical variation, residue mobility, and thermodynamic stability) indicates that this missense variant is not expected to disrupt CLCN1 protein function with a negative predictive value of 95%. In summary, the available evidence is currently insufficient to determine the role of this variant in disease. Therefore, it has been classified as a Variant of Uncertain Significance.

Ambry Genetics
Classification: Uncertain significance for Inborn genetic diseases. Last evaluated: 2024-10-01. Review status: criteria provided, single submitter. Criteria: Ambry Variant Classification Scheme 2023. Collection method: clinical testing. Allele origin: germline.

Revvity Omics, Revvity
Classification: Uncertain significance. Last evaluated: 2022-06-27. Review status: criteria provided, single submitter. Criteria: ACMG Guidelines, 2015. Collection method: clinical testing. Allele origin: germline.

Illumina Laboratory Services, Illumina
Classification: Uncertain significance for Myotonia congenita. Last evaluated: 2018-01-12. Review status: criteria provided, single submitter. Criteria: ICSL Variant Classification Criteria 13 December 2019. Collection method: clinical testing. Allele origin: germline.

NM_000083.3(CLCN1):c.451G>A (p.Ala151Thr)

Gene: CLCN1 (chloride voltage-gated channel 1; plus strand). Cytogenetic location: 7q34.
Variant type: single nucleotide variant.
Coding change: c.451G>A on transcript NM_000083.3 (MANE Select); coding-DNA position 451, G replaced by A.
Protein change: p.Ala151Thr; replaces alanine 151 with threonine.
Molecular consequence: missense variant. On other transcripts: non-coding transcript variant (1).
Genome position (GRCh38, 1-based): chr7:143,321,382, G>A. VCF-style: chr7-143321382-G-A. GRCh37 (hg19) VCF-style: chr7-143018475-G-A.
Other names: short protein forms A151T.
Identifiers: ClinVar variation 359100 (VCV000359100.12), dbSNP rs140726900, ClinGen allele CA4536959.